The following is an entry in ClinVar:

ClinVar aggregate classification (germline): Uncertain significance (1 of 4 stars; one submission).

Submission:

Labcorp Genetics (formerly Invitae), Labcorp
Classification: Uncertain significance. Last evaluated: 2022-06-20. Review status: criteria provided, single submitter. Criteria: Invitae Variant Classification Sherloc (09022015). Collection method: clinical testing. Allele origin: germline.
Comment: This sequence change replaces aspartic acid, which is acidic and polar, with valine, which is neutral and non-polar, at codon 172 of the SMARCB1 protein (p.Asp172Val). This variant is not present in population databases (gnomAD no frequency). This variant has not been reported in the literature in individuals affected with SMARCB1-related conditions. Algorithms developed to predict the effect of missense changes on protein structure and function (SIFT, PolyPhen-2, Align-GVGD) all suggest that this variant is likely to be tolerated. In summary, the available evidence is currently insufficient to determine the role of this variant in disease. Therefore, it has been classified as a Variant of Uncertain Significance.

NM_003073.5(SMARCB1):c.515A>T (p.Asp172Val)

Gene: SMARCB1 (SWI/SNF related BAF chromatin remodeling complex subunit B1; plus strand). Cytogenetic location: 22q11.23.
Variant type: single nucleotide variant.
Coding change: c.515A>T on transcript NM_003073.5 (MANE Select); coding-DNA position 515, A replaced by T.
Protein change: p.Asp172Val; replaces aspartic acid 172 with valine.
Molecular consequence: missense variant.
Genome position (GRCh38, 1-based): chr22:23,803,309, A>T. VCF-style: chr22-23803309-A-T. GRCh37 (hg19) VCF-style: chr22-24145496-A-T.
Other names: c.488A>T, p.Asp163Val (NM_001007468.3); c.542A>T, p.Asp181Val (NM_001317946.2); c.569A>T, p.Asp190Val (NM_001362877.2); short protein forms D163V, D190V, D172V, D181V.
Identifiers: ClinVar variation 1355719 (VCV001355719.8), dbSNP rs2145982695, ClinGen allele CA410935479.